The following is an entry in ClinVar:

ClinVar aggregate classification (germline): Uncertain significance (1 of 4 stars; one submission).

Allele frequency attached by ClinVar (database versions not stated): gnomAD exomes below 0.00001.
gnomAD v4.1: 2 of 1,588,544 alleles (0.00013%); highest among the groups gnomAD compares: African/African-American, 0.0013%; no homozygotes.

Submission:

Labcorp Genetics (formerly Invitae), Labcorp
Classification: Uncertain significance. Last evaluated: 2023-01-20. Review status: criteria provided, single submitter. Criteria: Invitae Variant Classification Sherloc (09022015). Collection method: clinical testing. Allele origin: germline.
Comment: This sequence change replaces glycine, which is neutral and non-polar, with valine, which is neutral and non-polar, at codon 1544 of the MYO7A protein (p.Gly1544Val). This variant is not present in population databases (gnomAD no frequency). This variant has not been reported in the literature in individuals affected with MYO7A-related conditions. Advanced modeling of protein sequence and biophysical properties (such as structural, functional, and spatial information, amino acid conservation, physicochemical variation, residue mobility, and thermodynamic stability) performed at Invitae indicates that this missense variant is not expected to disrupt MYO7A protein function. In summary, the available evidence is currently insufficient to determine the role of this variant in disease. Therefore, it has been classified as a Variant of Uncertain Significance.

NM_000260.4(MYO7A):c.4631G>T (p.Gly1544Val)

Gene: MYO7A (myosin VIIA; plus strand). Cytogenetic location: 11q13.5.
Variant type: single nucleotide variant.
Coding change: c.4631G>T on transcript NM_000260.4 (MANE Select); coding-DNA position 4631, G replaced by T.
Protein change: p.Gly1544Val; replaces glycine 1544 with valine.
Molecular consequence: missense variant. On other transcripts: intron variant (2).
Genome position (GRCh38, 1-based): chr11:77,199,597, G>T. VCF-style: chr11-77199597-G-T. GRCh37 (hg19) VCF-style: chr11-76910642-G-T.
Other names: c.4536-52G>T (NM_001369365.1); c.4569-52G>T (NM_001127180.2); short protein forms G1544V.
Identifiers: ClinVar variation 2800299 (VCV002800299.3), dbSNP rs2497589092, ClinGen allele CA381950617.
Genomic context (GRCh38, chr11:77,199,597, plus strand): 5'-AGTGCCGTGTCTGGCTCTCACTGGGCTGCTCTGATCTTGGCTGTGCTGCGCCTCACTCAG[G>T]CTGGGCAGGACTGACCCCGGCGGGGCCCTGTTCTCCGTGTTGGTCCTGCAGGGGAGCGAA-3'
Protein context (NP_000251.3, residues 1534-1554): SDLGCAAPHS[Gly1544Val]WAGLTPAGPC